The following is an entry in ClinVar:

NM_198578.4(LRRK2):c.2769G>C (p.Gln923His)

Gene: LRRK2 (leucine rich repeat kinase 2; plus strand). Cytogenetic location: 12q12.
Variant type: single nucleotide variant.
Coding change: c.2769G>C on transcript NM_198578.4 (MANE Select); coding-DNA position 2769, G replaced by C.
Protein change: p.Gln923His; replaces glutamine 923 with histidine.
Molecular consequence: missense variant.
Genome position (GRCh38, 1-based): chr12:40,293,624, G>C. VCF-style: chr12-40293624-G-C. GRCh37 (hg19) VCF-style: chr12-40687426-G-C.
Other names: short protein forms Q923H.
Identifiers: ClinVar variation 39153 (VCV000039153.44), dbSNP rs58559150, ClinGen allele CA343517.
Genomic context (GRCh38, chr12:40,293,624, plus strand): 5'-TGTGAAAAAGAAATCTAATTCAATTAGTGTAGGAGAATTTTACCGAGATGCCGTATTACA[G>C]CGTTGCTCACCAAATTTGCAAAGACATTCCAATTCCTTGGTAAGTTAAATTGTGCAATTG-3'
Protein context (NP_940980.4, residues 913-933): VGEFYRDAVL[Gln923His]RCSPNLQRHS

ClinVar aggregate classification (germline): Conflicting classifications of pathogenicity. Review status: criteria provided, conflicting classifications (1 of 4 stars). 6 submissions from 6 submitters: Uncertain significance (2); Likely benign (3). 1 of the submissions does not count toward it. Last evaluated 2025-09-23.

Conditions:
LRRK2-related disorder. Also called: LRRK2-related condition.
Autosomal dominant Parkinson disease 8. Also called: LRRK2-Related Parkinson Disease; Parkinson disease 8; Parkinson disease 8, susceptibility to. Identifiers: Orphanet 411602, MedGen C1846862, MONDO:0011764, OMIM 607060.

Allele frequency attached by ClinVar (database versions not stated): gnomAD exomes 0.00013 and 0.00020; ESP Exome Variant Server 0.00015; TOPMed 0.00019; 1000 Genomes Project 0.00020; 1000 Genomes Project 30x 0.00031.
gnomAD v4.1: 225 of 1,611,608 alleles (0.014%); highest among the groups gnomAD compares: Admixed American, 0.067%; 1 homozygote.

Submissions (6):

Labcorp Genetics (formerly Invitae), Labcorp
Classification: Likely benign for Autosomal dominant Parkinson disease 8. Last evaluated: 2025-09-23. Review status: criteria provided, single submitter. Criteria: Invitae Variant Classification Sherloc (09022015). Collection method: clinical testing. Allele origin: germline.

PreventionGenetics, part of Exact Sciences
Classification: Likely benign for LRRK2-related condition. Last evaluated: 2025-07-14. Review status: criteria provided, single submitter. Criteria: ACMG Guidelines, 2015. Collection method: clinical testing. Allele origin: germline.
Comment: This variant is classified as likely benign based on ACMG/AMP sequence variant interpretation guidelines (Richards et al. 2015 PMID: 25741868, with internal and published modifications).

Fulgent Genetics
Classification: Uncertain significance for Autosomal dominant Parkinson disease 8. Last evaluated: 2024-06-01. Review status: criteria provided, single submitter. Criteria: ACMG Guidelines, 2015. Collection method: clinical testing. Allele origin: germline.

CeGaT Center for Human Genetics Tuebingen
Classification: Likely benign. Last evaluated: 2023-07-01. Review status: criteria provided, single submitter. Criteria: CeGaT Center For Human Genetics Tuebingen Variant Classification Criteria Version 2. Collection method: clinical testing. Allele origin: germline. Affected: yes. Observed: 3 variant alleles.
Comment: LRRK2: BP4, BS1

GeneDx
Classification: Uncertain significance. Last evaluated: 2017-03-01. Review status: criteria provided, single submitter. Criteria: GeneDx Variant Classification (06012015). Collection method: clinical testing. Allele origin: germline. Affected: yes.
Comment: The Q923H variant in the LRRK2 gene has been reported previously in families with autosomal dominant Parkinson disease, however it was not found to segregate with disease in these families (Camargos et al., 2009; Jasinska-Myga et al., 2010). The Q923H variant has also been reported in individuals with sporadic Parkinson disease, however it is also seen at a similar frequency in control subjects (Jasinska-Myga et al., 2010; Ross et al., 2011). The Q923H variant is observed in 7/11236 (0.06%) alleles from individuals of Latino background, in the ExAC dataset (Lek et al., 2016). The Q923H variant is a semi-conservative amino acid substitution, which may impact secondary protein structure as these residues differ in some properties. This substitution occurs at a position that is conserved across species. In silico analysis is inconsistent in its predictions as to whether or not the variant is damaging to the protein structure/function. We interpret Q923H as a variant of uncertain significance.

GeneReviews
No classification provided. Condition: Autosomal dominant Parkinson disease 8. Review status: no classification provided. Collection method: literature only. Allele origin: unknown. Not counted in ClinVar's aggregate classification.

Literature cited by the submitters: PubMed 20301387 (cited by GeneReviews); NCBI Bookshelf NBK1208 (cited by GeneReviews).